The following is an entry in ClinVar:

ClinVar aggregate classification (germline): Uncertain significance (1 of 4 stars; one submission).

Conditions:
Birt-Hogg-Dube syndrome. Also called: Birt Hogg Dubé syndrome. Identifiers: Orphanet 122, MedGen C0346010, MONDO:0800444.

Submission:

Labcorp Genetics (formerly Invitae), Labcorp
Classification: Uncertain significance for Birt-Hogg-Dube syndrome. Last evaluated: 2019-07-02. Review status: criteria provided, single submitter. Criteria: Invitae Variant Classification Sherloc (09022015). Collection method: clinical testing. Allele origin: germline.
Comment: In summary, the available evidence is currently insufficient to determine the role of this variant in disease. Therefore, it has been classified as a Variant of Uncertain Significance. This sequence change falls in intron 13 of the FLCN gene. It does not directly change the encoded amino acid sequence of the FLCN protein, but it affects a nucleotide within the consensus splice site of the intron. This variant is not present in population databases (ExAC no frequency). This variant has not been reported in the literature in individuals with FLCN-related conditions. Nucleotide substitutions within the consensus splice site are a relatively common cause of aberrant splicing (PMID: 17576681, 9536098). Algorithms developed to predict the effect of sequence changes on RNA splicing suggest that this variant may disrupt the consensus splice site, but this prediction has not been confirmed by published transcriptional studies.

Literature cited by the submitters: PubMed 17576681; PubMed 9536098.

NM_144997.7(FLCN):c.1538+5G>C

Gene: FLCN (folliculin; minus strand). Cytogenetic location: 17p11.2.
Variant type: single nucleotide variant.
Coding change: c.1538+5G>C on transcript NM_144997.7 (MANE Select); 5 bases into the intron after coding-DNA position 1538, G replaced by C.
Molecular consequence: intron variant.
Genome position (GRCh38, 1-based): chr17:17,214,980, C>G on the plus strand (G>C on the coding strand, the complement: FLCN is on the minus strand). VCF-style: chr17-17214980-C-G. GRCh37 (hg19) VCF-style: chr17-17118294-C-G.
Other names: c.1538+5G>C (NM_001353231.2, NM_001353230.2); c.1592+5G>C (NM_001353229.2).
Identifiers: ClinVar variation 944399 (VCV000944399.7), dbSNP rs2046865948, ClinGen allele CA1139665243.
Genomic context (GRCh38, chr17:17,214,980, plus strand): 5'-TGGAAACAGCTCCAGGTTTTCTCCAGGGTCGCAAGCAAAGGGGCCTCACCCACACTGTTG[C>G]TTACTTCATCCACTCCTCCTTGAGGCAGACGAGGCACTGGTCCACCACATCCACAGACAG-3'